The following is an entry in ClinVar:

NM_000091.5(COL4A3):c.4450G>A (p.Gly1484Arg)

Genes: COL4A3 (collagen type IV alpha 3 chain; plus strand), MFF-DT (MFF divergent transcript; minus strand). Cytogenetic location: 2q36.3.
Variant type: single nucleotide variant.
Coding change: c.4450G>A on transcript NM_000091.5 (MANE Select); coding-DNA position 4450, G replaced by A.
Protein change: p.Gly1484Arg; replaces glycine 1484 with arginine.
Molecular consequence: missense variant.
Genome position (GRCh38, 1-based): chr2:227,307,907, G>A. VCF-style: chr2-227307907-G-A. GRCh37 (hg19) VCF-style: chr2-228172623-G-A.
Other names: c.4450G>A (NM_000091.4); short protein forms G1484R.
Identifiers: ClinVar variation 990638 (VCV000990638.7), dbSNP rs976882559, ClinGen allele CA66620311.

ClinVar aggregate classification (germline): Uncertain significance. Review status: criteria provided, multiple submitters, no conflicts (2 of 4 stars). 5 submissions from 5 submitters: Uncertain significance (4). 1 of the submissions does not count toward it. Last evaluated 2024-07-19.

Conditions:
Alport syndrome. Also called: Hemorrhagic familial nephritis; Hemorrhagic hereditary nephritis; Congenital hereditary hematuria. Identifiers: Orphanet 63, MedGen C1567741, MONDO:0018965.
Inborn genetic diseases. Identifiers: MedGen C0950123, MeSH D030342.
Autosomal dominant Alport syndrome (ATS3A). Also called: ALPORT SYNDROME 3A, AUTOSOMAL DOMINANT; Alport syndrome dominant type; Renal failure and sensorineural hearing loss. Identifiers: Orphanet 63, Orphanet 88918, MedGen C5882663, MONDO:0007086, OMIM 104200.
Autosomal recessive Alport syndrome (ATS2). Also called: COL4A4 Alport Syndrome and Thin Basement Membrane Nephropathy; ALPORT SYNDROME 2, AUTOSOMAL RECESSIVE; Alport syndrome type 2; COL4A3-Related Nephropathy. Identifiers: Orphanet 63, Orphanet 88919, MedGen C4746745, MONDO:0008762, OMIM 203780.
Benign familial hematuria. Also called: thin basement membrane disease. Identifiers: MedGen C0241908, MONDO:0957317.

Allele frequency attached by ClinVar (database versions not stated): gnomAD 0.00001; gnomAD exomes 0.00002; TOPMed 0.00002.
gnomAD v4.1: 36 of 1,613,886 alleles (0.0022%); highest among the groups gnomAD compares: Middle Eastern, 0.017%; no homozygotes.

Submissions (5):

Labcorp Genetics (formerly Invitae), Labcorp
Classification: Uncertain significance. Last evaluated: 2024-07-19. Review status: criteria provided, single submitter. Criteria: Invitae Variant Classification Sherloc (09022015). Collection method: clinical testing. Allele origin: germline.
Comment: This sequence change replaces glycine, which is neutral and non-polar, with arginine, which is basic and polar, at codon 1484 of the COL4A3 protein (p.Gly1484Arg). This variant is present in population databases (no rsID available, gnomAD 0.006%). This variant has not been reported in the literature in individuals affected with COL4A3-related conditions. ClinVar contains an entry for this variant (Variation ID: 990638). Advanced modeling of protein sequence and biophysical properties (such as structural, functional, and spatial information, amino acid conservation, physicochemical variation, residue mobility, and thermodynamic stability) performed at Invitae indicates that this missense variant is expected to disrupt COL4A3 protein function with a positive predictive value of 80%. In summary, the available evidence is currently insufficient to determine the role of this variant in disease. Therefore, it has been classified as a Variant of Uncertain Significance.

GeneDx
Classification: Uncertain significance. Last evaluated: 2024-04-12. Review status: criteria provided, single submitter. Criteria: GeneDx Variant Classification Process June 2021. Collection method: clinical testing. Allele origin: germline. Affected: yes.
Comment: In silico analysis supports that this missense variant has a deleterious effect on protein structure/function; Has not been previously published as pathogenic or benign to our knowledge

Ambry Genetics
Classification: Uncertain significance for Inborn genetic diseases. Last evaluated: 2022-12-28. Review status: criteria provided, single submitter. Criteria: Ambry Variant Classification Scheme 2023. Collection method: clinical testing. Allele origin: germline.

Fulgent Genetics
Classification: Uncertain significance for Autosomal dominant Alport syndrome; Hematuria, benign familial, 1; Autosomal recessive Alport syndrome. Last evaluated: 2022-05-22. Review status: criteria provided, single submitter. Criteria: ACMG Guidelines, 2015. Collection method: clinical testing. Allele origin: unknown.

Natera, Inc.
Classification: Uncertain significance for Alport syndrome. Last evaluated: 2020-11-02. Review status: no assertion criteria provided. Collection method: clinical testing. Allele origin: germline. Not counted in ClinVar's aggregate classification.